The following is an entry in ClinVar:

NM_001009944.3(PKD1):c.135_144dup (p.Val49fs)

Gene: PKD1 (polycystin 1, transient receptor potential channel interacting; minus strand). Cytogenetic location: 16p13.3.
Variant type: Duplication.
Coding change: c.135_144dup on transcript NM_001009944.3 (MANE Select); coding-DNA positions 135 to 144, 10 bases duplicated (CGCCTGCCGC; older notation c.135_144dupCGCCTGCCGC).
Protein change: p.Val49fs; shifts the reading frame from valine 49.
Molecular consequence: frameshift variant.
Genome position (GRCh38, 1-based): chr16:2,135,546-2,135,555, GCGGCAGGCG duplicated on the plus strand (CGCCTGCCGC on the coding strand, the reverse complement: PKD1 is on the minus strand); duplicating any 10 consecutive bases within chr16:2,135,546-2,135,558 gives the same sequence; the c. name uses the placement nearest the transcript's 3' end. VCF-style (leftmost placement, unchanged base first): chr16-2135545-C-CGCGGCAGGCG. GRCh37 (hg19) VCF-style: chr16-2185546-C-CGCGGCAGGCG.
Other names: c.135_144dup, p.Val49fs (NM_000296.4); short protein forms V49fs.
Identifiers: ClinVar variation 4796614 (VCV004796614.1).

ClinVar aggregate classification (germline): Pathogenic (1 of 4 stars; one submission).

Conditions:
Polycystic kidney disease, adult type (PKD1). Also called: Polycystic Kidney, Autosomal Dominant; POLYCYSTIC KIDNEY DISEASE, ADULT, TYPE I; Polycystic Kidney Disease 1, Autosomal Dominant; Polycystic kidney disease 1; Polycystic kidney disease 1, severe; POLYCYSTIC KIDNEY DISEASE 1 WITH OR WITHOUT POLYCYSTIC LIVER DISEASE. Identifiers: MedGen C3149841, MONDO:0008263, OMIM 173900.

Submission:

Juno Genomics, Hangzhou Juno Genomics, Inc
Classification: Pathogenic for Polycystic kidney disease, adult type. Review status: criteria provided, single submitter. Criteria: ACMG Guidelines, 2015. Collection method: clinical testing. Allele origin: germline. Affected: yes.
Comment: Absent from controls (or at extremely low frequency if recessive) in Genome Aggregation Database, Exome Sequencing Project, 1000 Genomes Project, or Exome Aggregation Consortium.;De novo (both maternity and paternity confirmed) in a patient with the disease and no family history.;Null variant in a gene where loss of function (LOF) is a known mechanism of disease.